The following is an entry in ClinVar:

NM_001166108.2(PALLD):c.811C>G (p.Pro271Ala)

Gene: PALLD (palladin, cytoskeletal associated protein; plus strand). Cytogenetic location: 4q32.3.
Variant type: single nucleotide variant.
Coding change: c.811C>G on transcript NM_001166108.2 (MANE Select); coding-DNA position 811, C replaced by G.
Protein change: p.Pro271Ala; replaces proline 271 with alanine.
Molecular consequence: missense variant.
Genome position (GRCh38, 1-based): chr4:168,512,315, C>G. VCF-style: chr4-168512315-C-G. GRCh37 (hg19) VCF-style: chr4-169433466-C-G.
Other names: c.811C>G, p.Pro271Ala (NM_016081.4); short protein forms P271A.
Identifiers: ClinVar variation 3226840 (VCV003226840.1), dbSNP rs1762596378, ClinGen allele CA358728428.

ClinVar aggregate classification (germline): Uncertain significance (1 of 4 stars; one submission).

Submission:

Ambry Genetics
Classification: Uncertain significance. Last evaluated: 2023-10-15. Review status: criteria provided, single submitter. Criteria: Ambry Variant Classification Scheme 2023. Collection method: clinical testing. Allele origin: germline.
Comment: The p.P271A variant (also known as c.811C>G), located in coding exon 1 of the PALLD gene, results from a C to G substitution at nucleotide position 811. The proline at codon 271 is replaced by alanine, an amino acid with highly similar properties. This amino acid position is conserved. In addition, the in silico prediction for this alteration is inconclusive. Since supporting evidence is limited at this time, the clinical significance of this alteration remains unclear.